The following is an entry in ClinVar:

NM_138395.4(MARS2):c.1204G>T (p.Ala402Ser)

Gene: MARS2 (methionyl-tRNA synthetase 2, mitochondrial; plus strand). Cytogenetic location: 2q33.1.
Variant type: single nucleotide variant.
Coding change: c.1204G>T on transcript NM_138395.4 (MANE Select); coding-DNA position 1204, G replaced by T.
Protein change: p.Ala402Ser; replaces alanine 402 with serine.
Molecular consequence: missense variant.
Genome position (GRCh38, 1-based): chr2:197,706,609, G>T. VCF-style: chr2-197706609-G-T. GRCh37 (hg19) VCF-style: chr2-198571333-G-T.
Other names: c.1204G>T (NM_138395.3); short protein forms A402S.
Identifiers: ClinVar variation 1420520 (VCV001420520.7), dbSNP rs574329415, ClinGen allele CA62878897.
Genomic context (GRCh38, chr2:197,706,609, plus strand): 5'-TGGGACTGTGACTACTATGATGAAAAGGTGGTTAAGTTGCTGAACTCCGAGCTGGCAGAT[G>T]CCTTGGGAGGTCTCTTGAACCGATGCACTGCCAAAAGAATAAATCCTTCTGAGACCTACC-3'
Protein context (NP_612404.1, residues 392-412): VKLLNSELAD[Ala402Ser]LGGLLNRCTA

ClinVar aggregate classification (germline): Uncertain significance. Review status: criteria provided, multiple submitters, no conflicts (2 of 4 stars). 2 submissions from 2 submitters: Uncertain significance (2). Last evaluated 2025-06-06.

Allele frequency attached by ClinVar (database versions not stated): gnomAD exomes below 0.00001; TOPMed below 0.00001; gnomAD 0.00001 and 0.00002; 1000 Genomes Project 30x 0.00016; 1000 Genomes Project 0.00020.
gnomAD v4.1: 5 of 1,614,260 alleles (0.00031%); highest among the groups gnomAD compares: Admixed American, 0.0083%; no homozygotes.

Submissions (2):

Ambry Genetics
Classification: Uncertain significance. Last evaluated: 2025-06-06. Review status: criteria provided, single submitter. Criteria: Ambry Variant Classification Scheme 2023. Collection method: clinical testing. Allele origin: germline.

Labcorp Genetics (formerly Invitae), Labcorp
Classification: Uncertain significance. Last evaluated: 2023-08-30. Review status: criteria provided, single submitter. Criteria: Invitae Variant Classification Sherloc (09022015). Collection method: clinical testing. Allele origin: germline.
Comment: This variant is not present in population databases (gnomAD no frequency). In summary, the available evidence is currently insufficient to determine the role of this variant in disease. Therefore, it has been classified as a Variant of Uncertain Significance. Advanced modeling of protein sequence and biophysical properties (such as structural, functional, and spatial information, amino acid conservation, physicochemical variation, residue mobility, and thermodynamic stability) performed at Invitae indicates that this missense variant is not expected to disrupt MARS2 protein function. ClinVar contains an entry for this variant (Variation ID: 1420520). This variant has not been reported in the literature in individuals affected with MARS2-related conditions. This sequence change replaces alanine, which is neutral and non-polar, with serine, which is neutral and polar, at codon 402 of the MARS2 protein (p.Ala402Ser).